The following is an entry in ClinVar:

NM_001145809.2(MYH14):c.5549G>A (p.Arg1850Gln)

Gene: MYH14 (myosin heavy chain 14; plus strand). Cytogenetic location: 19q13.33.
Variant type: single nucleotide variant.
Coding change: c.5549G>A on transcript NM_001145809.2 (MANE Select); coding-DNA position 5549, G replaced by A.
Protein change: p.Arg1850Gln; replaces arginine 1850 with glutamine.
Molecular consequence: missense variant.
Genome position (GRCh38, 1-based): chr19:50,301,740, G>A. VCF-style: chr19-50301740-G-A. GRCh37 (hg19) VCF-style: chr19-50804997-G-A.
Other names: p.Arg1809Gln; c.5450G>A, p.Arg1817Gln (NM_001077186.2); c.5426G>A, p.Arg1809Gln (NM_024729.4); short protein forms R1809Q, R1817Q, R1850Q.
Identifiers: ClinVar variation 1329678 (VCV001329678.8), dbSNP rs777220522, ClinGen allele CA9593844.

ClinVar aggregate classification (germline): Uncertain significance. Review status: criteria provided, multiple submitters, no conflicts (2 of 4 stars). 3 submissions from 3 submitters: Uncertain significance (3). Last evaluated 2023-09-25.

Allele frequency attached by ClinVar (database versions not stated): gnomAD 0.00001; gnomAD exomes 0.00001 and 0.00002; ExAC 0.00002.

Submissions (3):

Labcorp Genetics (formerly Invitae), Labcorp
Classification: Uncertain significance. Last evaluated: 2023-09-25. Review status: criteria provided, single submitter. Criteria: Invitae Variant Classification Sherloc (09022015). Collection method: clinical testing. Allele origin: germline.
Comment: In summary, the available evidence is currently insufficient to determine the role of this variant in disease. Therefore, it has been classified as a Variant of Uncertain Significance. Advanced modeling of protein sequence and biophysical properties (such as structural, functional, and spatial information, amino acid conservation, physicochemical variation, residue mobility, and thermodynamic stability) performed at Invitae indicates that this missense variant is expected to disrupt MYH14 protein function. ClinVar contains an entry for this variant (Variation ID: 1329678). This variant has not been reported in the literature in individuals affected with MYH14-related conditions. This variant is present in population databases (rs777220522, gnomAD 0.02%). This sequence change replaces arginine, which is basic and polar, with glutamine, which is neutral and polar, at codon 1809 of the MYH14 protein (p.Arg1809Gln).

Mayo Clinic Laboratories, Mayo Clinic
Classification: Uncertain significance. Last evaluated: 2023-02-23. Review status: criteria provided, single submitter. Criteria: ACMG Guidelines, 2015. Collection method: clinical testing. Allele origin: germline. Observed: 1 variant allele.
Comment: BS2

GeneDx
Classification: Uncertain significance. Last evaluated: 2021-06-21. Review status: criteria provided, single submitter. Criteria: GeneDx Variant Classification Process June 2021. Collection method: clinical testing. Allele origin: germline. Affected: yes.
Comment: In silico analysis supports that this missense variant has a deleterious effect on protein structure/function; Has not been previously published as pathogenic or benign to our knowledge; This variant is associated with the following publications: (PMID: 27535533)